The following is an entry in ClinVar:

ClinVar aggregate classification (germline): Uncertain significance (1 of 4 stars; one submission).

Conditions:
Hereditary cancer-predisposing syndrome. Also called: Hereditary neoplastic syndrome; Neoplastic Syndromes, Hereditary; Tumor predisposition; Hereditary Cancer Syndrome. Identifiers: Orphanet 140162, MedGen C0027672, MeSH D009386, MONDO:0015356.

Submission:

Ambry Genetics
Classification: Uncertain significance for Hereditary cancer-predisposing syndrome. Last evaluated: 2024-12-14. Review status: criteria provided, single submitter. Criteria: Ambry Variant Classification Scheme 2023. Collection method: clinical testing. Allele origin: germline.
Comment: The p.V800I variant (also known as c.2398G>A), located in coding exon 10 of the BLM gene, results from a G to A substitution at nucleotide position 2398. The valine at codon 800 is replaced by isoleucine, an amino acid with highly similar properties. This amino acid position is conserved. In addition, this alteration is predicted to be tolerated by in silico analysis. Based on the available evidence, the clinical significance of this variant remains unclear.

NM_000057.4(BLM):c.2398G>A (p.Val800Ile)

Gene: BLM (BLM RecQ like helicase; plus strand). Cytogenetic location: 15q26.1.
Variant type: single nucleotide variant.
Coding change: c.2398G>A on transcript NM_000057.4 (MANE Select); coding-DNA position 2398, G replaced by A.
Protein change: p.Val800Ile; replaces valine 800 with isoleucine.
Molecular consequence: missense variant.
Genome position (GRCh38, 1-based): chr15:90,769,223, G>A. VCF-style: chr15-90769223-G-A. GRCh37 (hg19) VCF-style: chr15-91312453-G-A.
Other names: c.2398G>A, p.Val800Ile (NM_001287246.2, NM_001287247.2); c.1273G>A, p.Val425Ile (NM_001287248.2); short protein forms V800I, V425I.
Identifiers: ClinVar variation 3824432 (VCV003824432.1).